The following is an entry in ClinVar:

ClinVar aggregate classification (germline): Uncertain significance (0 of 4 stars; one submission).

Conditions:
EP300-related disorder. Also called: EP300-related condition; EP300-related disorders.

Submission:

PreventionGenetics, part of Exact Sciences
Classification: Uncertain significance for EP300-related condition. Last evaluated: 2024-05-05. Review status: no assertion criteria provided. Collection method: clinical testing. Allele origin: germline.
Comment: The EP300 c.3668A>C variant is predicted to result in the amino acid substitution p.Gln1223Pro. To our knowledge, this variant has not been reported in the literature or in a large population database, indicating this variant is rare. At this time, the clinical significance of this variant is uncertain due to the absence of conclusive functional and genetic evidence.

NM_001429.4(EP300):c.3668A>C (p.Gln1223Pro)

Gene: EP300 (E1A binding protein p300; plus strand). Cytogenetic location: 22q13.2.
Variant type: single nucleotide variant.
Coding change: c.3668A>C on transcript NM_001429.4 (MANE Select); coding-DNA position 3668, A replaced by C.
Protein change: p.Gln1223Pro; replaces glutamine 1223 with proline.
Molecular consequence: missense variant.
Genome position (GRCh38, 1-based): chr22:41,160,719, A>C. VCF-style: chr22-41160719-A-C. GRCh37 (hg19) VCF-style: chr22-41556723-A-C.
Other names: c.3590A>C, p.Gln1197Pro (NM_001362843.2); short protein forms Q1197P, Q1223P.
Identifiers: ClinVar variation 3345977 (VCV003345977.1).